The following is an entry in ClinVar:

ClinVar aggregate classification (germline): Uncertain significance (1 of 4 stars; one submission).

Conditions:
Hereditary pancreatitis (PCTT). Also called: Hereditary chronic pancreatitis; PRSS1-Related Hereditary Pancreatitis. Identifiers: Orphanet 676, MedGen C0238339, MONDO:0008185, OMIM 167800.

Allele frequency attached by ClinVar (database versions not stated): gnomAD 0.00001.
gnomAD v4.1: 1 of 1,613,774 alleles (0.000062%); highest among the groups gnomAD compares: East Asian, 0.0022%; no homozygotes.

Submission:

Ambry Genetics
Classification: Uncertain significance for Hereditary pancreatitis. Last evaluated: 2021-07-29. Review status: criteria provided, single submitter. Criteria: Ambry Variant Classification Scheme 2023. Collection method: clinical testing. Allele origin: germline.
Comment: The p.Y229H variant (also known as c.685T>C), located in coding exon 5 of the PRSS1 gene, results from a T to C substitution at nucleotide position 685. The tyrosine at codon 229 is replaced by histidine, an amino acid with similar properties. This amino acid position is conserved. In addition, this alteration is predicted to be deleterious by in silico analysis. Since supporting evidence is limited at this time, the clinical significance of this alteration remains unclear.

NM_002769.5(PRSS1):c.685T>C (p.Tyr229His)

Genes: PRSS1 (serine protease 1; plus strand), TRB (T cell receptor beta locus; plus strand). Cytogenetic location: 7q34.
Variant type: single nucleotide variant.
Coding change: c.685T>C on transcript NM_002769.5 (MANE Select); coding-DNA position 685, T replaced by C.
Protein change: p.Tyr229His; replaces tyrosine 229 with histidine.
Molecular consequence: missense variant. On other transcripts: non-coding transcript variant (5).
Genome position (GRCh38, 1-based): chr7:142,752,961, T>C. VCF-style: chr7-142752961-T-C. GRCh37 (hg19) VCF-style: chr7-142460812-T-C.
Other names: short protein forms Y229H.
Identifiers: ClinVar variation 1755839 (VCV001755839.2), dbSNP rs1309672836, ClinGen allele CA369610872.
Genomic context (GRCh38, chr7:142,752,961, plus strand): 5'-CAGCTCCAAGGAGTTGTCTCCTGGGGTGATGGCTGTGCCCAGAAGAACAAGCCTGGAGTC[T>C]ACACCAAGGTCTACAACTATGTGAAATGGATTAAGAACACCATAGCTGCCAATAGCTAAA-3'
Protein context (NP_002760.1, residues 219-239): GCAQKNKPGV[Tyr229His]TKVYNYVKWI